The following is an entry in ClinVar:

NM_144997.7(FLCN):c.180G>C (p.Ala60=)

Gene: FLCN (folliculin; minus strand). Cytogenetic location: 17p11.2.
Variant type: single nucleotide variant.
Coding change: c.180G>C on transcript NM_144997.7 (MANE Select); coding-DNA position 180, G replaced by C.
Protein change: p.Ala60=; no amino-acid change (alanine 60 retained).
Molecular consequence: synonymous variant.
Genome position (GRCh38, 1-based): chr17:17,227,958, C>G on the plus strand (G>C on the coding strand, the complement: FLCN is on the minus strand). VCF-style: chr17-17227958-C-G. GRCh37 (hg19) VCF-style: chr17-17131272-C-G.
Other names: c.180G>C, p.Ala60= (NM_001353229.2, NM_001353230.2, NM_001353231.2 and 1 more transcripts).
Identifiers: ClinVar variation 1568974 (VCV001568974.15), dbSNP rs1203041436, ClinGen allele CA498421530.

ClinVar aggregate classification (germline): Benign/Likely benign. Review status: criteria provided, multiple submitters, no conflicts (2 of 4 stars). 3 submissions from 3 submitters: Benign (1); Likely benign (2). Last evaluated 2025-03-04.

Conditions:
Birt-Hogg-Dube syndrome. Also called: Birt Hogg Dubé syndrome. Identifiers: Orphanet 122, MedGen C0346010, MONDO:0800444.
Birt-Hogg-Dube syndrome 1 (BHD1). Also called: FIBROFOLLICULOMAS WITH TRICHODISCOMAS AND ACROCHORDONS. Identifiers: Orphanet 122, MedGen CN375946, MONDO:0800445, OMIM 135150.

Submissions (3):

Center for Genomic Medicine, Rigshospitalet, Copenhagen University Hospital
Classification: Likely benign. Last evaluated: 2025-03-04. Review status: criteria provided, single submitter. Criteria: ACMG Guidelines, 2015. Collection method: clinical testing. Allele origin: germline.

Myriad Genetics, Inc.
Classification: Benign for Birt-Hogg-Dube syndrome 1. Last evaluated: 2024-10-22. Review status: criteria provided, single submitter. Criteria: Myriad Autosomal Dominant, Autosomal Recessive and X-Linked Classification Criteria (2023). Collection method: clinical testing. Allele origin: unknown.
Comment: This variant is considered benign. This variant is a silent/synonymous amino acid change and it is not expected to impact splicing.

Labcorp Genetics (formerly Invitae), Labcorp
Classification: Likely benign for Birt-Hogg-Dube syndrome. Last evaluated: 2021-06-28. Review status: criteria provided, single submitter. Criteria: Invitae Variant Classification Sherloc (09022015). Collection method: clinical testing. Allele origin: germline.